The following is an entry in ClinVar:

ClinVar aggregate classification (germline): Uncertain significance (1 of 4 stars; one submission).

Submission:

GeneDx
Classification: Uncertain significance. Last evaluated: 2024-10-22. Review status: criteria provided, single submitter. Criteria: GeneDx Variant Classification Process June 2021. Collection method: clinical testing. Allele origin: germline. Affected: yes.
Comment: Not observed at significant frequency in large population cohorts (gnomAD); In silico analysis supports that this missense variant has a deleterious effect on protein structure/function; Has not been previously published as pathogenic or benign to our knowledge.

NM_004859.4(CLTC):c.2716G>A (p.Gly906Arg)

Gene: CLTC (clathrin heavy chain; plus strand). Cytogenetic location: 17q23.1.
Variant type: single nucleotide variant.
Coding change: c.2716G>A on transcript NM_004859.4 (MANE Select); coding-DNA position 2716, G replaced by A.
Protein change: p.Gly906Arg; replaces glycine 906 with arginine.
Molecular consequence: missense variant.
Genome position (GRCh38, 1-based): chr17:59,677,108, G>A. VCF-style: chr17-59677108-G-A. GRCh37 (hg19) VCF-style: chr17-57754469-G-A.
Other names: c.2728G>A, p.Gly910Arg (NM_001288653.2); short protein forms G906R, G910R.
Identifiers: ClinVar variation 3893511 (VCV003893511.1).